The following is an entry in ClinVar:

ClinVar aggregate classification (germline): Likely benign. Review status: criteria provided, multiple submitters, no conflicts (2 of 4 stars). 2 submissions from 2 submitters: Likely benign (2). Last evaluated 2025-04-30.

Conditions:
CEP290-related disorder. Also called: CEP290-related disorders; CEP290-related condition. Identifiers: MedGen CN239314.
Joubert syndrome. Also called: Familial aplasia of the vermis; JOUBERT-BOLTSHAUSER SYNDROME. Identifiers: Orphanet 475, MedGen C5979921, MONDO:0018772.
Meckel-Gruber syndrome. Also called: Dysencephalia splachnocystica; DYSENCEPHALIA SPLANCHNOCYSTICA; GRUBER SYNDROME. Identifiers: Orphanet 564, MedGen C0265215, MONDO:0018921.
Nephronophthisis. Also called: Juvenile Nephronophthisis. Identifiers: Orphanet 655, MedGen C0687120, MONDO:0019005, HP:0000090.

Allele frequency attached by ClinVar (database versions not stated): TOPMed below 0.00001.

Submissions (2):

PreventionGenetics, part of Exact Sciences
Classification: Likely benign for CEP290-related condition. Last evaluated: 2025-04-30. Review status: criteria provided, single submitter. Criteria: ACMG Guidelines, 2015. Collection method: clinical testing. Allele origin: germline.
Comment: This variant is classified as likely benign based on ACMG/AMP sequence variant interpretation guidelines (Richards et al. 2015 PMID: 25741868, with internal and published modifications).

Labcorp Genetics (formerly Invitae), Labcorp
Classification: Likely benign for Joubert syndrome; Meckel-Gruber syndrome; Nephronophthisis. Last evaluated: 2023-04-13. Review status: criteria provided, single submitter. Criteria: Invitae Variant Classification Sherloc (09022015). Collection method: clinical testing. Allele origin: germline.

NM_025114.4(CEP290):c.6060A>G (p.Leu2020=)

Gene: CEP290 (centrosomal protein 290; minus strand). Cytogenetic location: 12q21.32.
Variant type: single nucleotide variant.
Coding change: c.6060A>G on transcript NM_025114.4 (MANE Select); coding-DNA position 6060, A replaced by G.
Protein change: p.Leu2020=; no amino-acid change (leucine 2020 retained).
Molecular consequence: synonymous variant.
Genome position (GRCh38, 1-based): chr12:88,068,597, T>C on the plus strand (A>G on the coding strand, the complement: CEP290 is on the minus strand). VCF-style: chr12-88068597-T-C. GRCh37 (hg19) VCF-style: chr12-88462374-T-C.
Other names: c.6060A>G (NM_025114.3).
Identifiers: ClinVar variation 1576361 (VCV001576361.9), dbSNP rs2035122755, ClinGen allele CA481071608.